The following is an entry in ClinVar:

ClinVar aggregate classification (germline): Uncertain significance (1 of 4 stars; one submission).

Conditions:
Generalized epilepsy with febrile seizures plus, type 9 (GEFSP9). Also called: GEFS+, TYPE 9. Identifiers: Orphanet 36387, MedGen C4015395, MONDO:0014517, OMIM 616172.

Submission:

Labcorp Genetics (formerly Invitae), Labcorp
Classification: Uncertain significance for Generalized epilepsy with febrile seizures plus, type 9. Last evaluated: 2022-08-23. Review status: criteria provided, single submitter. Criteria: Invitae Variant Classification Sherloc (09022015). Collection method: clinical testing. Allele origin: germline.
Comment: A copy number gain of the genomic region encompassing the full coding sequence of the STX1B gene has been identified. The boundaries of this event are unknown as they extend beyond the assayed region for this gene and therefore may encompass additional genes. As the precise location of this event is unknown, it may be in tandem or it may be located elsewhere in the genome. This variant has not been reported in the literature in individuals affected with STX1B-related conditions. In summary, the available evidence is currently insufficient to determine the role of this variant in disease. Therefore, it has been classified as a Variant of Uncertain Significance.

NC_000016.9:g.(?_30712146)_(31021717_?)dup

Genes: CFAP119 (cilia and flagella associated protein 119; minus strand), CTF1 (cardiotrophin 1; plus strand), FBXL19 (F-box and leucine rich repeat protein 19; plus strand), BCL7C (BAF chromatin remodeling complex subunit BCL7C; minus strand), HSD3B7 (hydroxy-delta-5-steroid dehydrogenase, 3 beta- and steroid delta-isomerase 7; plus strand) and 7 more. Cytogenetic location: 16p11.2.
Variant type: Duplication.
Identifiers: ClinVar variation 2427156 (VCV002427156.2).